The following is an entry in ClinVar:

ClinVar aggregate classification (germline): Uncertain significance (1 of 4 stars; one submission).

Conditions:
Glycogen storage disease, type VI (GSD6). Also called: Glycogen storage disease type 6; Hepatic glycogen phosphorylase deficiency; HERS DISEASE; PHOSPHORYLASE DEFICIENCY GLYCOGEN-STORAGE DISEASE OF LIVER; Glycogen storage disease type 6, due to phosphorylation; GSD VI. Identifiers: Orphanet 369, MedGen C0017925, MONDO:0009294, OMIM 232700.

Allele frequency attached by ClinVar (database versions not stated): gnomAD exomes below 0.00001; TOPMed below 0.00001.

Submission:

Labcorp Genetics (formerly Invitae), Labcorp
Classification: Uncertain significance for Glycogen storage disease, type VI. Last evaluated: 2023-06-29. Review status: criteria provided, single submitter. Criteria: Invitae Variant Classification Sherloc (09022015). Collection method: clinical testing. Allele origin: germline.
Comment: This sequence change replaces methionine, which is neutral and non-polar, with isoleucine, which is neutral and non-polar, at codon 148 of the PYGL protein (p.Met148Ile). This variant is not present in population databases (gnomAD no frequency). This variant has not been reported in the literature in individuals affected with PYGL-related conditions. ClinVar contains an entry for this variant (Variation ID: 1374223). Advanced modeling of protein sequence and biophysical properties (such as structural, functional, and spatial information, amino acid conservation, physicochemical variation, residue mobility, and thermodynamic stability) performed at Invitae indicates that this missense variant is not expected to disrupt PYGL protein function. Algorithms developed to predict the effect of sequence changes on RNA splicing suggest that this variant may create or strengthen a splice site. In summary, the available evidence is currently insufficient to determine the role of this variant in disease. Therefore, it has been classified as a Variant of Uncertain Significance.

NM_002863.5(PYGL):c.444G>A (p.Met148Ile)

Gene: PYGL (glycogen phosphorylase L; minus strand). Cytogenetic location: 14q22.1.
Variant type: single nucleotide variant.
Coding change: c.444G>A on transcript NM_002863.5 (MANE Select); coding-DNA position 444, G replaced by A.
Protein change: p.Met148Ile; replaces methionine 148 with isoleucine.
Molecular consequence: missense variant.
Genome position (GRCh38, 1-based): chr14:50,931,757, C>T on the plus strand (G>A on the coding strand, the complement: PYGL is on the minus strand). VCF-style: chr14-50931757-C-T. GRCh37 (hg19) VCF-style: chr14-51398475-C-T.
Other names: c.342G>A, p.Met114Ile (NM_001163940.2); short protein forms M148I, M114I.
Identifiers: ClinVar variation 1374223 (VCV001374223.6), dbSNP rs2050603053, ClinGen allele CA389695843.